The following is an entry in ClinVar:

ClinVar aggregate classification (germline): Conflicting classifications of pathogenicity. Review status: criteria provided, conflicting classifications (1 of 4 stars). 4 submissions from 4 submitters: Uncertain significance (3); Likely benign (1). Last evaluated 2025-11-05.

Conditions:
Hereditary cancer-predisposing syndrome. Also called: Neoplastic Syndromes, Hereditary; Tumor predisposition; Hereditary neoplastic syndrome; Hereditary Cancer Syndrome. Identifiers: Orphanet 140162, MedGen C0027672, MeSH D009386, MONDO:0015356.
Hereditary breast ovarian cancer syndrome. Also called: BRCA1- and BRCA2-Associated Hereditary Breast and Ovarian Cancer; Hereditary breast and ovarian cancer syndrome (HBOC); Hereditary breast and ovarian cancer syndrome; Hereditary breast and ovarian cancer; Hereditary breast and/or ovarian cancer syndrome; Breast and ovarian cancer. Identifiers: Orphanet 145, MedGen C0677776, MeSH D061325, MONDO:0003582. Disease mechanism: loss of function.

Submissions (4):

Labcorp Genetics (formerly Invitae), Labcorp
Classification: Uncertain significance for Hereditary breast ovarian cancer syndrome. Last evaluated: 2025-11-05. Review status: criteria provided, single submitter. Criteria: Invitae Variant Classification Sherloc (09022015). Collection method: clinical testing. Allele origin: germline.
Comment: This sequence change replaces arginine, which is basic and polar, with serine, which is neutral and polar, at codon 787 of the BRCA2 protein (p.Arg787Ser). This variant is not present in population databases (gnomAD no frequency). This variant has not been reported in the literature in individuals affected with BRCA2-related conditions. ClinVar contains an entry for this variant (Variation ID: 1722495). Invitae Evidence Modeling of protein sequence and biophysical properties (such as structural, functional, and spatial information, amino acid conservation, physicochemical variation, residue mobility, and thermodynamic stability) indicates that this missense variant is not expected to disrupt BRCA2 protein function with a negative predictive value of 95%. In summary, the available evidence is currently insufficient to determine the role of this variant in disease. Therefore, it has been classified as a Variant of Uncertain Significance.

Ambry Genetics
Classification: Uncertain significance for Hereditary cancer-predisposing syndrome. Last evaluated: 2024-03-15. Review status: criteria provided, single submitter. Criteria: Ambry Variant Classification Scheme 2023. Collection method: clinical testing. Allele origin: germline.
Comment: The p.R787S variant (also known as c.2361A>C), located in coding exon 10 of the BRCA2 gene, results from an A to C substitution at nucleotide position 2361. The arginine at codon 787 is replaced by serine, an amino acid with dissimilar properties. This amino acid position is not well conserved in available vertebrate species. In addition, this alteration is predicted to be tolerated by in silico analysis. Since supporting evidence is limited at this time, the clinical significance of this alteration remains unclear.

University of Washington Department of Laboratory Medicine, University of Washington
Classification: Likely benign for Hereditary cancer-predisposing syndrome. Last evaluated: 2023-03-23. Review status: criteria provided, single submitter. Criteria: Dines et al. (Genet Med. 2020). Collection method: curation. Allele origin: germline.
Comment: Missense variant in a coldspot region where missense variants are very unlikely to be pathogenic (PMID:31911673).

BRCA2 exon 11 coldspot. Reclassification based on statistical prior probability.

Women's Health and Genetics/Laboratory Corporation of America, LabCorp
Classification: Uncertain significance. Last evaluated: 2022-09-30. Review status: criteria provided, single submitter. Criteria: LabCorp Variant Classification Summary - May 2015. Collection method: clinical testing. Allele origin: germline.

NM_000059.4(BRCA2):c.2361A>C (p.Arg787Ser)

Gene: BRCA2 (BRCA2 DNA repair associated; plus strand). Cytogenetic location: 13q13.1.
Variant type: single nucleotide variant.
Coding change: c.2361A>C on transcript NM_000059.4 (MANE Select); coding-DNA position 2361, A replaced by C.
Protein change: p.Arg787Ser; replaces arginine 787 with serine.
Molecular consequence: missense variant.
Genome position (GRCh38, 1-based): chr13:32,336,716, A>C. VCF-style: chr13-32336716-A-C. GRCh37 (hg19) VCF-style: chr13-32910853-A-C.
Other names: c.2361A>C, p.Arg787Ser (NM_001406719.1, NM_001406720.1); short protein forms R787S.
Identifiers: ClinVar variation 1722495 (VCV001722495.7), dbSNP rs2137485700, ClinGen allele CA387771706.
Genomic context (GRCh38, chr13:32,336,716, plus strand): 5'-CACTCTTATTTTAACTCCTACTTCCAAGGATGTTCTGTCAAACCTAGTCATGATTTCTAG[A>C]GGCAAAGAATCATACAAAATGTCAGACAAGCTCAAAGGTAACAATTATGAATCTGATGTT-3'
Protein context (NP_000050.3, residues 777-797): DVLSNLVMIS[Arg787Ser]GKESYKMSDK